The following is an entry in ClinVar:

ClinVar aggregate classification (germline): Pathogenic. Review status: reviewed by expert panel (3 of 4 stars). 8 submissions from 8 submitters: Pathogenic (1). 7 of the submissions do not count toward it. Last evaluated 2016-10-18.

Conditions:
Hereditary cancer-predisposing syndrome. Also called: Neoplastic Syndromes, Hereditary; Hereditary Cancer Syndrome; Hereditary neoplastic syndrome; Tumor predisposition. Identifiers: Orphanet 140162, MedGen C0027672, MeSH D009386, MONDO:0015356.
Inherited ovarian cancer (without breast cancer).
Breast-ovarian cancer, familial, susceptibility to, 2 (BROVCA2). Also called: BRCA2 Hereditary Breast and Ovarian Cancer. Identifiers: Orphanet 145, MedGen C2675520, MONDO:0012933, OMIM 612555. Disease mechanism: loss of function.
Hereditary breast ovarian cancer syndrome. Also called: Hereditary breast and ovarian cancer syndrome (HBOC); Hereditary breast and/or ovarian cancer syndrome; Breast and ovarian cancer; Hereditary breast and ovarian cancer syndrome; Hereditary breast and ovarian cancer; BRCA1- and BRCA2-Associated Hereditary Breast and Ovarian Cancer. Identifiers: Orphanet 145, MedGen C0677776, MeSH D061325, MONDO:0003582. Disease mechanism: loss of function.

Submissions (8):

Evidence-based Network for the Interpretation of Germline Mutant Alleles (ENIGMA)
Classification: Pathogenic for Breast-ovarian cancer, familial, susceptibility to, 2. Last evaluated: 2016-10-18. Review status: reviewed by expert panel. Criteria: ENIGMA BRCA1/2 Classification Criteria (2015). Collection method: curation. Allele origin: germline.
Comment: Variant allele predicted to encode a truncated non-functional protein.

Genetics Laboratory, Great Ormond Street Hospital NHS Foundation Trust, North Thames Genomic Laboratory Hub
Classification: Pathogenic for Inherited ovarian cancer (without breast cancer). Last evaluated: 2026-04-24. Review status: criteria provided, single submitter. Criteria: CanVIG BRCA Gene Specific V1.22. Collection method: clinical testing. Allele origin: germline. Affected: yes. Not counted in ClinVar's aggregate classification.
Comment: PM2_moderate, PVS1_very-strong, PM5_strong

Dasa
Classification: Pathogenic for Breast-ovarian cancer, familial, susceptibility to, 2. Last evaluated: 2025-09-22. Review status: criteria provided, single submitter. Criteria: DASA Assertion Criteria. Collection method: clinical testing. Allele origin: germline. Not counted in ClinVar's aggregate classification.
Comment: NM_000059.4(BRCA2):c.2945del (p.Ile982AsnfsTer9) introduces a premature termination codon predicted to result in loss of normal protein function. Loss-of-function is an established mechanism of disease for this gene. Based on the available data, this variant is classified as pathogenic.

ARUP Laboratories, Molecular Genetics and Genomics, ARUP Laboratories
Classification: Pathogenic. Last evaluated: 2025-01-13. Review status: criteria provided, single submitter. Criteria: ARUP Molecular Germline Variant Investigation Process 2024. Collection method: clinical testing. Allele origin: germline. Not counted in ClinVar's aggregate classification.
Comment: The BRCA2 c.2945del; p.Ile982AsnfsTer9 variant (rs886040453, ClinVar Variation ID: 266727) is reported in the literature in an individual affected with bilateral breast cancer (Nguyen-Dumont 2020). This variant is absent from the Genome Aggregation Database (v2.1.1), indicating it is not a common polymorphism. This variant causes a frameshift by deleting a single nucleotide, so it is predicted to result in a truncated protein or mRNA subject to nonsense-mediated decay. Based on available information, this variant is considered to be pathogenic. References: Nguyen-Dumont T et al. Genetic testing in Poland and Ukraine: should comprehensive germline testing of BRCA1 and BRCA2 be recommended for women with breast and ovarian cancer? Genet Res (Camb). 2020 Aug 10;102:e6. PMID: 32772980.

Labcorp Genetics (formerly Invitae), Labcorp
Classification: Pathogenic for Hereditary breast ovarian cancer syndrome. Last evaluated: 2024-03-24. Review status: criteria provided, single submitter. Criteria: Invitae Variant Classification Sherloc (09022015). Collection method: clinical testing. Allele origin: germline. Not counted in ClinVar's aggregate classification.
Comment: This sequence change creates a premature translational stop signal (p.Ile982Asnfs*9) in the BRCA2 gene. It is expected to result in an absent or disrupted protein product. Loss-of-function variants in BRCA2 are known to be pathogenic (PMID: 20104584). This variant is not present in population databases (gnomAD no frequency). This premature translational stop signal has been observed in individual(s) with bilateral breast cancer (PMID: 32772980). ClinVar contains an entry for this variant (Variation ID: 266727). For these reasons, this variant has been classified as Pathogenic.

GeneDx
Classification: Pathogenic. Last evaluated: 2023-06-14. Review status: criteria provided, single submitter. Criteria: GeneDx Variant Classification Process June 2021. Collection method: clinical testing. Allele origin: germline. Affected: yes. Not counted in ClinVar's aggregate classification.
Comment: Frameshift variant predicted to result in protein truncation or nonsense mediated decay in a gene for which loss of function is a known mechanism of disease; Not observed at significant frequency in large population cohorts (gnomAD); Observed in a patient with breast cancer (Nguyen-Dumont et al., 2020); Truncating variants in this gene are considered pathogenic by a well-established clinical consortium and/or database; Also known as 3173del; This variant is associated with the following publications: (PMID: 32772980)

Ambry Genetics
Classification: Pathogenic for Hereditary cancer-predisposing syndrome. Last evaluated: 2023-03-20. Review status: criteria provided, single submitter. Criteria: Ambry Variant Classification Scheme 2023. Collection method: clinical testing. Allele origin: germline. Not counted in ClinVar's aggregate classification.
Comment: The c.2945delT pathogenic mutation, located in coding exon 10 of the BRCA2 gene, results from a deletion of one nucleotide at nucleotide position 2945, causing a translational frameshift with a predicted alternate stop codon (p.I982Nfs*9). This alteration was identified in a large, worldwide study of BRCA1/2 mutation positive families (Rebbeck TR et al. Hum Mutat, 2018 May;39:593-620). This variant is considered to be rare based on population cohorts in the Genome Aggregation Database (gnomAD). In addition to the clinical data presented in the literature, this alteration is expected to result in loss of function by premature protein truncation or nonsense-mediated mRNA decay. As such, this alteration is interpreted as a disease-causing mutation.

Consortium of Investigators of Modifiers of BRCA1/2 (CIMBA), c/o University of Cambridge
Classification: Pathogenic for Breast-ovarian cancer, familial, susceptibility to, 2. Last evaluated: 2015-10-02. Review status: criteria provided, single submitter. Criteria: CIMBA Mutation Classification guidelines May 2016. Collection method: clinical testing. Allele origin: germline. Not counted in ClinVar's aggregate classification.

Literature cited by the submitters: PubMed 20104584 (cited by Labcorp Genetics (formerly Invitae), Labcorp); PubMed 32772980 (cited by Labcorp Genetics (formerly Invitae), Labcorp); PubMed 29446198 (cited by Ambry Genetics).

NM_000059.4(BRCA2):c.2945del (p.Ile982fs)

Gene: BRCA2 (BRCA2 DNA repair associated; plus strand). Cytogenetic location: 13q13.1.
Variant type: Deletion.
Coding change: c.2945del on transcript NM_000059.4 (MANE Select); coding-DNA position 2945, one base deleted (T; older notation c.2945delT).
Protein change: p.Ile982fs; shifts the reading frame from isoleucine 982.
Molecular consequence: frameshift variant.
Genome position (GRCh38, 1-based): chr13:32,337,300, T deleted. VCF-style (leftmost placement, unchanged base first): chr13-32337299-AT-A. GRCh37 (hg19) VCF-style: chr13-32911436-AT-A.
Other names: 3173delT; c.2945delT (NM_000059.3); short protein forms I982fs.
Identifiers: ClinVar variation 266727 (VCV000266727.15), dbSNP rs886040453, ClinGen allele CA10589179.
Genomic context (GRCh38, chr13:32,337,299, plus strand): 5'-CATATAAAAATGACTCTAGGTCAAGATTTAAAATCGGACATCTCCTTGAATATAGATAAA[AT>A]ACCAGAAAAAAATAATGATTACATGAACAAATGGGCAGGACTCTTAGGTCCAATTTCAAA-3'